The following is an entry in ClinVar:

NM_004366.6(CLCN2):c.594C>T (p.Ser198=)

Gene: CLCN2 (chloride voltage-gated channel 2; minus strand). Cytogenetic location: 3q27.1.
Variant type: single nucleotide variant.
Coding change: c.594C>T on transcript NM_004366.6 (MANE Select); coding-DNA position 594, C replaced by T.
Protein change: p.Ser198=; no amino-acid change (serine 198 retained).
Molecular consequence: synonymous variant.
Genome position (GRCh38, 1-based): chr3:184,357,983, G>A on the plus strand (C>T on the coding strand, the complement: CLCN2 is on the minus strand). VCF-style: chr3-184357983-G-A. GRCh37 (hg19) VCF-style: chr3-184075771-G-A.
Other names: c.594C>T, p.Ser198= (NM_001171087.3, NM_001171089.3); c.462C>T, p.Ser154= (NM_001171088.3).
Identifiers: ClinVar variation 1584481 (VCV001584481.11), dbSNP rs377119579, ClinGen allele CA2734456.

ClinVar aggregate classification (germline): Likely benign. Review status: criteria provided, multiple submitters, no conflicts (2 of 4 stars). 3 submissions from 3 submitters: Likely benign (3). Last evaluated 2026-04-01.

Allele frequency attached by ClinVar (database versions not stated): gnomAD 0.00001; gnomAD exomes 0.00001 and 0.00002; ExAC 0.00002; TOPMed 0.00003; ESP Exome Variant Server 0.00008.
gnomAD v4.1: 20 of 1,613,936 alleles (0.0012%); highest among the groups gnomAD compares: East Asian, 0.0022%; no homozygotes.

Submissions (3):

CeGaT Center for Human Genetics Tuebingen
Classification: Likely benign. Last evaluated: 2026-04-01. Review status: criteria provided, single submitter. Criteria: CeGaT Center For Human Genetics Tuebingen Variant Classification Criteria Version 2. Collection method: clinical testing. Allele origin: germline. Affected: yes. Observed: 1 variant allele.
Comment: CLCN2: BP4, BP7

Labcorp Genetics (formerly Invitae), Labcorp
Classification: Likely benign. Last evaluated: 2024-12-18. Review status: criteria provided, single submitter. Criteria: Invitae Variant Classification Sherloc (09022015). Collection method: clinical testing. Allele origin: germline.

Blueprint Genetics
Classification: Likely benign. Last evaluated: 2024-10-07. Review status: criteria provided, single submitter. Criteria: ACMG Guidelines, 2015. Collection method: clinical testing. Allele origin: germline.